The following is an entry in ClinVar:

NM_001378328.1(CELSR1):c.2448_2450del (p.Glu816del)

Gene: CELSR1 (cadherin EGF LAG seven-pass G-type receptor 1; minus strand). Cytogenetic location: 22q13.31.
Variant type: Deletion.
Coding change: c.2448_2450del on transcript NM_001378328.1 (MANE Select); coding-DNA positions 2448 to 2450, 3 bases deleted (GGA; older notation c.2448_2450delGGA).
Protein change: p.Glu816del; deletes glutamic acid 816.
Molecular consequence: inframe deletion.
Genome position (GRCh38, 1-based): chr22:46,534,721-46,534,723, TCC deleted on the plus strand (GGA on the coding strand, the reverse complement: CELSR1 is on the minus strand); deleting any 3 consecutive bases within chr22:46,534,721-46,534,725 gives the same sequence; the c. name uses the placement nearest the transcript's 3' end. VCF-style (leftmost placement, unchanged base first): chr22-46534720-GTCC-G. GRCh37 (hg19) VCF-style: chr22-46930617-GTCC-G.
Other names: c.2448_2450del, p.Glu816del (NM_014246.4); short protein forms E816del.
Identifiers: ClinVar variation 3239530 (VCV003239530.19), dbSNP rs2518406903.

ClinVar aggregate classification (germline): Uncertain significance (1 of 4 stars; one submission).

Submission:

CeGaT Center for Human Genetics Tuebingen
Classification: Uncertain significance. Last evaluated: 2024-05-01. Review status: criteria provided, single submitter. Criteria: CeGaT Center For Human Genetics Tuebingen Variant Classification Criteria Version 2. Collection method: clinical testing. Allele origin: germline. Affected: yes. Observed: 1 variant allele.
Comment: CELSR1: PM2, PM4:Supporting